The following is an entry in ClinVar:

ClinVar aggregate classification (germline): Uncertain significance (1 of 4 stars; one submission).

Conditions:
Zellweger spectrum disorders (ZS). Also called: Zellweger Spectrum Disorder (ZSD); Zellweger syndrome; Zellweger Spectrum Disorder; Zellweger Spectrum. Identifiers: Orphanet 912, MedGen C0043459, MONDO:0019609.

gnomAD v4.1: 2 of 1,611,326 alleles (0.00012%); highest among the groups gnomAD compares: Non-Finnish European, 0.00017%; no homozygotes.

Submission:

Labcorp Genetics (formerly Invitae), Labcorp
Classification: Uncertain significance for Zellweger spectrum disorders. Last evaluated: 2024-04-02. Review status: criteria provided, single submitter. Criteria: Invitae Variant Classification Sherloc (09022015). Collection method: clinical testing. Allele origin: germline.
Comment: This sequence change replaces serine, which is neutral and polar, with phenylalanine, which is neutral and non-polar, at codon 264 of the PEX1 protein (p.Ser264Phe). This variant is not present in population databases (gnomAD no frequency). This variant has not been reported in the literature in individuals affected with PEX1-related conditions. Advanced modeling of protein sequence and biophysical properties (such as structural, functional, and spatial information, amino acid conservation, physicochemical variation, residue mobility, and thermodynamic stability) performed at Invitae indicates that this missense variant is not expected to disrupt PEX1 protein function with a negative predictive value of 80%. In summary, the available evidence is currently insufficient to determine the role of this variant in disease. Therefore, it has been classified as a Variant of Uncertain Significance.

NM_000466.3(PEX1):c.791C>T (p.Ser264Phe)

Gene: PEX1 (peroxisomal biogenesis factor 1; minus strand). Cytogenetic location: 7q21.2.
Variant type: single nucleotide variant.
Coding change: c.791C>T on transcript NM_000466.3 (MANE Select); coding-DNA position 791, C replaced by T.
Protein change: p.Ser264Phe; replaces serine 264 with phenylalanine.
Molecular consequence: missense variant.
Genome position (GRCh38, 1-based): chr7:92,517,724, G>A on the plus strand (C>T on the coding strand, the complement: PEX1 is on the minus strand). VCF-style: chr7-92517724-G-A. GRCh37 (hg19) VCF-style: chr7-92147038-G-A.
Other names: c.791C>T, p.Ser264Phe (NM_001282677.2); c.167C>T, p.Ser56Phe (NM_001282678.2); short protein forms S264F, S56F.
Identifiers: ClinVar variation 3640637 (VCV003640637.2).